The following is an entry in ClinVar:

ClinVar aggregate classification (germline): Uncertain significance (1 of 4 stars; one submission).

gnomAD v4.1: 2 of 1,610,730 alleles (0.00012%); highest among the groups gnomAD compares: Admixed American, 0.0017%; no homozygotes.

Submission:

GeneDx
Classification: Uncertain significance. Last evaluated: 2024-06-25. Review status: criteria provided, single submitter. Criteria: GeneDx Variant Classification Process June 2021. Collection method: clinical testing. Allele origin: germline. Affected: yes.
Comment: Not observed at significant frequency in large population cohorts (gnomAD); In silico analysis indicates that this missense variant does not alter protein structure/function; Has not been previously published as pathogenic or benign to our knowledge

NM_174889.5(NDUFAF2):c.142G>A (p.Glu48Lys)

Gene: NDUFAF2 (NADH:ubiquinone oxidoreductase complex assembly factor 2; plus strand). Cytogenetic location: 5q12.1.
Variant type: single nucleotide variant.
Coding change: c.142G>A on transcript NM_174889.5 (MANE Select); coding-DNA position 142, G replaced by A.
Protein change: p.Glu48Lys; replaces glutamic acid 48 with lysine.
Molecular consequence: missense variant.
Genome position (GRCh38, 1-based): chr5:61,073,139, G>A. VCF-style: chr5-61073139-G-A. GRCh37 (hg19) VCF-style: chr5-60368966-G-A.
Other names: short protein forms E48K.
Identifiers: ClinVar variation 3392802 (VCV003392802.1).